The following is an entry in ClinVar:

NM_014714.4(IFT140):c.3560C>T (p.Ser1187Leu)

Gene: IFT140 (intraflagellar transport 140; minus strand). Cytogenetic location: 16p13.3.
Variant type: single nucleotide variant.
Coding change: c.3560C>T on transcript NM_014714.4 (MANE Select); coding-DNA position 3560, C replaced by T.
Protein change: p.Ser1187Leu; replaces serine 1187 with leucine.
Molecular consequence: missense variant.
Genome position (GRCh38, 1-based): chr16:1,520,702, G>A on the plus strand (C>T on the coding strand, the complement: IFT140 is on the minus strand). VCF-style: chr16-1520702-G-A. GRCh37 (hg19) VCF-style: chr16-1570703-G-A.
Other names: short protein forms S1187L.
Identifiers: ClinVar variation 862131 (VCV000862131.9), dbSNP rs952706482, ClinGen allele CA276675952.

ClinVar aggregate classification (germline): Uncertain significance. Review status: criteria provided, multiple submitters, no conflicts (2 of 4 stars). 4 submissions from 4 submitters: Uncertain significance (4). Last evaluated 2025-10-12.

Conditions:
Inborn genetic diseases. Identifiers: MedGen C0950123, MeSH D030342.
Saldino-Mainzer syndrome (SRTD9). Also called: SHORT-RIB THORACIC DYSPLASIA 9 WITHOUT POLYDACTYLY; Renal dysplasia, retinal pigmentary dystrophy, cerebellar ataxia and skeletal dysplasia; short-rib thoracic dysplasia 9 with or without polydactyly; CONORENAL SYNDROME. Identifiers: Orphanet 140969, MedGen C1849437, MONDO:0009964, OMIM 266920.
Retinitis pigmentosa 80 (RP80). Identifiers: MedGen C4540439, MONDO:0054708, OMIM 617781.

Allele frequency attached by ClinVar (database versions not stated): gnomAD exomes 0.00001; gnomAD 0.00003; TOPMed 0.00009.
gnomAD v4.1: 25 of 1,611,864 alleles (0.0016%); highest among the groups gnomAD compares: Admixed American, 0.013%; no homozygotes.

Submissions (4):

Labcorp Genetics (formerly Invitae), Labcorp
Classification: Uncertain significance for Saldino-Mainzer syndrome. Last evaluated: 2025-10-12. Review status: criteria provided, single submitter. Criteria: Invitae Variant Classification Sherloc (09022015). Collection method: clinical testing. Allele origin: germline.
Comment: This sequence change replaces serine, which is neutral and polar, with leucine, which is neutral and non-polar, at codon 1187 of the IFT140 protein (p.Ser1187Leu). This variant is present in population databases (no rsID available, gnomAD 0.006%). This variant has not been reported in the literature in individuals affected with IFT140-related conditions. ClinVar contains an entry for this variant (Variation ID: 862131). Invitae Evidence Modeling of protein sequence and biophysical properties (such as structural, functional, and spatial information, amino acid conservation, physicochemical variation, residue mobility, and thermodynamic stability) indicates that this missense variant is not expected to disrupt IFT140 protein function with a negative predictive value of 95%. In summary, the available evidence is currently insufficient to determine the role of this variant in disease. Therefore, it has been classified as a Variant of Uncertain Significance.

Ambry Genetics
Classification: Uncertain significance for Inborn genetic diseases. Last evaluated: 2024-07-07. Review status: criteria provided, single submitter. Criteria: Ambry Variant Classification Scheme 2023. Collection method: clinical testing. Allele origin: germline.

GeneDx
Classification: Uncertain significance. Last evaluated: 2023-12-15. Review status: criteria provided, single submitter. Criteria: GeneDx Variant Classification Process June 2021. Collection method: clinical testing. Allele origin: germline. Affected: yes.
Comment: Has not been previously published as pathogenic or benign to our knowledge; In silico analysis supports that this missense variant does not alter protein structure/function

Fulgent Genetics
Classification: Uncertain significance for Saldino-Mainzer syndrome; Retinitis pigmentosa 80. Last evaluated: 2021-07-06. Review status: criteria provided, single submitter. Criteria: ACMG Guidelines, 2015. Collection method: clinical testing. Allele origin: unknown.